The following is an entry in ClinVar:

NM_001399.5(EDA):c.160C>T (p.His54Tyr)

Gene: EDA (ectodysplasin A; plus strand). Cytogenetic location: Xq13.1.
Variant type: single nucleotide variant.
Coding change: c.160C>T on transcript NM_001399.5 (MANE Select); coding-DNA position 160, C replaced by T.
Protein change: p.His54Tyr; replaces histidine 54 with tyrosine.
Molecular consequence: missense variant.
Genome position (GRCh38, 1-based): chrX:69,616,468, C>T. VCF-style: chrX-69616468-C-T. GRCh37 (hg19) VCF-style: chrX-68836312-C-T.
Other names: c.160C>T, p.His54Tyr (NM_001005609.2, NM_001005610.4, NM_001005612.3 and 3 more transcripts); short protein forms H54Y.
Identifiers: ClinVar variation 5002331 (VCV005002331.1).
Genomic context (GRCh38, chrX:69,616,468, plus strand): 5'-GCGGGCGAAGGGAACAGCTGCCTGCTCTTCCTGGGTTTCTTTGGCCTCTCGCTGGCCCTC[C>T]ACCTGCTGACGTTGTGCTGCTACCTAGAGTTGCGCTCGGAGTTGCGGCGGGAACGTGGAG-3'
Protein context (NP_001390.1, residues 44-64): LGFFGLSLAL[His54Tyr]LLTLCCYLEL

ClinVar aggregate classification (germline): Likely pathogenic (1 of 4 stars; one submission).

Conditions:
EDA-related disorder. Also called: EDA-related condition; EDA-related disorders.

Submission:

PreventionGenetics, part of Exact Sciences
Classification: Likely pathogenic for EDA-related condition. Last evaluated: 2024-11-06. Review status: criteria provided, single submitter. Criteria: ACMG Guidelines, 2015. Collection method: clinical testing. Allele origin: germline.
Comment: The EDA c.160C>T variant is predicted to result in the amino acid substitution p.His54Tyr. This variant has been reported to segregate with disease in several members of a family with hypohidrotic ectodermal dysplasia (Hertz et al. 1998. PubMed ID: 9630076). This variant has not been reported in a large population database (gnomAD), indicating this variant is rare. A different missense change impacting the same amino acid (c.161A>G, p.His54Arg) has also been reported in an individual with hypohidrotic ectodermal dysplasia (Liu et al. 2022. PubMed ID: 35152651). In summary, c.160C>T (p.His54Tyr) variant is interpreted as likely pathogenic.